The following is an entry in ClinVar:

NM_006294.5(UQCRB):c.91+16G>C

Gene: UQCRB (ubiquinol-cytochrome c reductase binding protein; minus strand). Cytogenetic location: 8q22.1.
Variant type: single nucleotide variant.
Coding change: c.91+16G>C on transcript NM_006294.5 (MANE Select); 16 bases into the intron after coding-DNA position 91, G replaced by C.
Molecular consequence: intron variant.
Genome position (GRCh38, 1-based): chr8:96,233,140, C>G on the plus strand (G>C on the coding strand, the complement: UQCRB is on the minus strand). VCF-style: chr8-96233140-C-G. GRCh37 (hg19) VCF-style: chr8-97245368-C-G.
Other names: c.91+16G>C (NM_001254752.2); c.-6+16G>C (NM_001199975.3).
Identifiers: ClinVar variation 137888 (VCV000137888.7), dbSNP rs114435805, ClinGen allele CA291616.

ClinVar aggregate classification (germline): Benign. Review status: criteria provided, multiple submitters, no conflicts (2 of 4 stars). 3 submissions from 3 submitters: Benign (3). Last evaluated 2026-01-05.

Allele frequency attached by ClinVar (database versions not stated): ExAC 0.00419; gnomAD 0.01263; 1000 Genomes Project 0.01338; 1000 Genomes Project 30x 0.01374; ESP Exome Variant Server 0.01453; TOPMed 0.01508.
gnomAD v4.1: 4,094 of 1,606,450 alleles (0.25%); highest among the groups gnomAD compares: African/African-American, 4.7%; 104 homozygotes.

Submissions (3):

Labcorp Genetics (formerly Invitae), Labcorp
Classification: Benign. Last evaluated: 2026-01-05. Review status: criteria provided, single submitter. Criteria: Invitae Variant Classification Sherloc (09022015). Collection method: clinical testing. Allele origin: germline.

GeneDx
Classification: Benign. Last evaluated: 2014-01-04. Review status: criteria provided, single submitter. Criteria: GeneDx Variant Classification (06012015). Collection method: clinical testing. Allele origin: germline. Affected: yes.
Comment: This variant is considered likely benign or benign based on one or more of the following criteria: it is a conservative change, it occurs at a poorly conserved position in the protein, it is predicted to be benign by multiple in silico algorithms, and/or has population frequency not consistent with disease.

Breakthrough Genomics
Classification: Benign. Review status: criteria provided, single submitter. Criteria: ACMG Guidelines, 2015. Collection method: not provided. Allele origin: germline. Inheritance: Autosomal recessive inheritance. Affected: yes.